The following is an entry in ClinVar:

ClinVar aggregate classification (germline): Uncertain significance (1 of 4 stars; one submission).

Conditions:
Congenital hyperammonemia, type I. Also called: Carbamoyl phosphate synthetase 1 deficiency; Hyperammonemia due to carbamoyl phosphate synthetase 1 deficiency; CPS 1 deficiency; Carbamyl phosphate synthetase (CPS) deficiency; Carbamoyl-phosphate synthase I deficiency; Carbamoyl phosphate synthetase I deficiency disease. Identifiers: Orphanet 147, MedGen C4082171, MONDO:0009376, OMIM 237300.

Allele frequency attached by ClinVar (database versions not stated): TOPMed below 0.00001; gnomAD 0.00001; ExAC 0.00002.
gnomAD v4.1: 13 of 1,610,158 alleles (0.00081%); highest among the groups gnomAD compares: South Asian, 0.0033%; no homozygotes.

Submission:

Labcorp Genetics (formerly Invitae), Labcorp
Classification: Uncertain significance for Congenital hyperammonemia, type I. Last evaluated: 2022-08-23. Review status: criteria provided, single submitter. Criteria: Invitae Variant Classification Sherloc (09022015). Collection method: clinical testing. Allele origin: germline.
Comment: This sequence change falls in intron 11 of the CPS1 gene. It does not directly change the encoded amino acid sequence of the CPS1 protein. It affects a nucleotide within the consensus splice site. This variant is present in population databases (rs763437104, gnomAD 0.006%). This variant has not been reported in the literature in individuals affected with CPS1-related conditions. Variants that disrupt the consensus splice site are a relatively common cause of aberrant splicing (PMID: 17576681, 9536098). Algorithms developed to predict the effect of sequence changes on RNA splicing suggest that this variant may create or strengthen a splice site. In summary, the available evidence is currently insufficient to determine the role of this variant in disease. Therefore, it has been classified as a Variant of Uncertain Significance.

Literature cited by the submitters: PubMed 17576681; PubMed 9536098.

NM_001875.5(CPS1):c.1164+5G>A

Gene: CPS1 (carbamoyl-phosphate synthase 1; plus strand). Cytogenetic location: 2q34.
Variant type: single nucleotide variant.
Coding change: c.1164+5G>A on transcript NM_001875.5 (MANE Select); 5 bases into the intron after coding-DNA position 1164, G replaced by A.
Molecular consequence: intron variant.
Genome position (GRCh38, 1-based): chr2:210,592,961, G>A. VCF-style: chr2-210592961-G-A. GRCh37 (hg19) VCF-style: chr2-211457685-G-A.
Other names: c.1164+5G>A (NM_001369257.1, NM_001122633.3); c.1197+5G>A (NM_001369256.1).
Identifiers: ClinVar variation 2173203 (VCV002173203.1), dbSNP rs763437104, ClinGen allele CA2086275.